The following is an entry in ClinVar:

ClinVar aggregate classification (germline): Benign (1 of 4 stars; one submission).

Conditions:
Hereditary factor VIII deficiency disease (HEMA). Also called: AUTOSOMAL HEMOPHILIA A; HEM A; Factor 8 deficiency, congenital; Hemophilia A, congenital; HEMOPHILIA, CLASSIC; Hemophilia A. Identifiers: Orphanet 98878, MedGen C0019069, MONDO:0010602, OMIM 306700.

Allele frequency attached by ClinVar (database versions not stated): TOPMed 0.00002; gnomAD 0.00003 and 0.00016; 1000 Genomes Project 30x 0.00062; 1000 Genomes Project 0.00079.

Submission:

Illumina Laboratory Services, Illumina
Classification: Benign for Hereditary factor VIII deficiency disease. Last evaluated: 2018-01-13. Review status: criteria provided, single submitter. Criteria: ICSL Variant Classification Criteria 13 December 2019. Collection method: clinical testing. Allele origin: germline.
Comment: This variant was observed in the ICSL laboratory as part of a predisposition screen in an ostensibly healthy population. It had not been previously curated by ICSL or reported in the Human Gene Mutation Database (HGMD: prior to June 1st, 2018), and was therefore a candidate for classification through an automated scoring system. Utilizing variant allele frequency, disease prevalence and penetrance estimates, and inheritance mode, an automated score was calculated to assess if this variant is too frequent to cause the disease. Based on the score and internal cut-off values, a variant classified as benign is not then subjected to further curation. The score for this variant resulted in a classification of benign for this disease.

NM_000132.4(F8):c.*1416G>T

Gene: F8 (coagulation factor VIII; minus strand). Cytogenetic location: Xq28.
Variant type: single nucleotide variant.
Coding change: c.*1416G>T on transcript NM_000132.4 (MANE Select); 1416 bases downstream of the stop codon, G replaced by T.
Molecular consequence: 3 prime UTR variant.
Genome position (GRCh38, 1-based): chrX:154,836,181, C>A on the plus strand (G>T on the coding strand, the complement: F8 is on the minus strand). VCF-style: chrX-154836181-C-A. GRCh37 (hg19) VCF-style: chrX-154064456-C-A.
Other names: c.*1416G>T (NM_019863.3).
Identifiers: ClinVar variation 368106 (VCV000368106.5), dbSNP rs186338743, ClinGen allele CA10654283.
Genomic context (GRCh38, chrX:154,836,181, plus strand): 5'-AGAGGTCAGATAAGGGTCAAGCAGGATTATTAGAAAATACTCCAGCATAGAAAAAAGTAG[C>A]CATTCTTTTGCCTTTTCTCAGATTGGGATCCATTTTTCTTTCATATTAGGATCTCCTGTT-3'